The following is an entry in ClinVar:

ClinVar aggregate classification (germline): Conflicting classifications of pathogenicity. Review status: criteria provided, conflicting classifications (1 of 4 stars). 3 submissions from 3 submitters: Uncertain significance (2); Likely benign (1). Last evaluated 2025-04-24.

Conditions:
Inborn genetic diseases. Identifiers: MedGen C0950123, MeSH D030342.
BNAR syndrome. Also called: Bifid Nose With or Without Anorectal and Renal Anomalies (BNAR) Syndrome. Identifiers: Orphanet 217266, MedGen C2750433, MONDO:0012165, OMIM 608980.
Oculotrichoanal syndrome (MOTA). Also called: MARLES SYNDROME; Manitoba Oculotrichoanal (MOTA) Syndrome. Identifiers: Orphanet 2717, MedGen C1855425, MONDO:0009560, OMIM 248450.
Trigonocephaly 2 (TRIGNO2). Identifiers: Orphanet 3366, MedGen C3280974, MONDO:0013774, OMIM 614485.

gnomAD v4.1: 2 of 1,576,456 alleles (0.00013%); highest among the groups gnomAD compares: East Asian, 0.0023%; no homozygotes.

Submissions (3):

Ambry Genetics
Classification: Likely benign for Inborn genetic diseases. Last evaluated: 2025-04-24. Review status: criteria provided, single submitter. Criteria: Ambry Variant Classification Scheme 2023. Collection method: clinical testing. Allele origin: germline.

Fulgent Genetics
Classification: Uncertain significance for Oculotrichoanal syndrome; BNAR syndrome; Trigonocephaly 2. Last evaluated: 2024-04-03. Review status: criteria provided, single submitter. Criteria: ACMG Guidelines, 2015. Collection method: clinical testing. Allele origin: germline.

Labcorp Genetics (formerly Invitae), Labcorp
Classification: Uncertain significance. Last evaluated: 2022-10-24. Review status: criteria provided, single submitter. Criteria: Invitae Variant Classification Sherloc (09022015). Collection method: clinical testing. Allele origin: germline.
Comment: This sequence change replaces asparagine, which is neutral and polar, with lysine, which is basic and polar, at codon 1100 of the FREM1 protein (p.Asn1100Lys). This variant is present in population databases (rs373880710, gnomAD 0.005%). This variant has not been reported in the literature in individuals affected with FREM1-related conditions. Advanced modeling of protein sequence and biophysical properties (such as structural, functional, and spatial information, amino acid conservation, physicochemical variation, residue mobility, and thermodynamic stability) performed at Invitae indicates that this missense variant is not expected to disrupt FREM1 protein function. In summary, the available evidence is currently insufficient to determine the role of this variant in disease. Therefore, it has been classified as a Variant of Uncertain Significance.

NM_001379081.2(FREM1):c.3300C>A (p.Asn1100Lys)

Gene: FREM1 (FRAS1 related extracellular matrix 1; minus strand). Cytogenetic location: 9p22.3.
Variant type: single nucleotide variant.
Coding change: c.3300C>A on transcript NM_001379081.2 (MANE Select); coding-DNA position 3300, C replaced by A.
Protein change: p.Asn1100Lys; replaces asparagine 1100 with lysine.
Molecular consequence: missense variant. On other transcripts: non-coding transcript variant (2).
Genome position (GRCh38, 1-based): chr9:14,805,127, G>T on the plus strand (C>A on the coding strand, the complement: FREM1 is on the minus strand). VCF-style: chr9-14805127-G-T. GRCh37 (hg19) VCF-style: chr9-14805125-G-T.
Other names: c.3300C>A, p.Asn1100Lys (NM_144966.7); c.3300C>A (NM_144966.5); short protein forms N1100K.
Identifiers: ClinVar variation 1973675 (VCV001973675.7), dbSNP rs373880710, ClinGen allele CA4990604.